The following is an entry in ClinVar:

ClinVar aggregate classification (germline): Uncertain significance. Review status: criteria provided, multiple submitters, no conflicts (2 of 4 stars). 2 submissions from 2 submitters: Uncertain significance (2). Last evaluated 2023-11-27.

Conditions:
Muscular dystrophy-dystroglycanopathy (congenital with impaired intellectual development), type B, 14. Also called: MUSCULAR DYSTROPHY, CONGENITAL, GMPPB-RELATED; Congenital muscular dystrophy-dystroglycanopathy with mental retardation, type B14; Muscular dystrophy-dystroglycanopathy (congenital with intellectual disability), type B14. Identifiers: MedGen C3809221, MONDO:0014141, OMIM 615351.
Muscular dystrophy-dystroglycanopathy (congenital with brain and eye anomalies), type A14. Also called: WALKER-WARBURG SYNDROME OR MUSCLE-EYE-BRAIN DISEASE, GMPPB-RELATED; Muscular dystrophy-dystroglycanopathy (congenital with brain and eye anomalies), type a, 14; Congenital Muscular Dystrophy-Dystroglycanopathy with Brain and Eye Anomalies Type A 14; Congenital muscular dystrophy-dystroglycanopathy with brain and eye anomalies, type A14. Identifiers: Orphanet 588, MedGen C3809216, MONDO:0014140, OMIM 615350.
Autosomal recessive limb-girdle muscular dystrophy type 2T. Also called: MUSCULAR DYSTROPHY-DYSTROGLYCANOPATHY, LIMB-GIRDLE, GMPPB-RELATED; MUSCULAR DYSTROPHY, LIMB-GIRDLE, TYPE 2T; Muscular dystrophy-dystroglycanopathy (limb-girdle), type c, 14; Limb-girdle muscular dystrophy-dystroglycanopathy, type C14. Identifiers: Orphanet 363623, MedGen C4518000, MONDO:0014142, OMIM 615352.
Inborn genetic diseases. Identifiers: MedGen C0950123, MeSH D030342.

Allele frequency attached by ClinVar (database versions not stated): gnomAD exomes below 0.00001; TOPMed 0.00001.
gnomAD v4.1: 3 of 1,613,874 alleles (0.00019%); highest among the groups gnomAD compares: Non-Finnish European, 0.00025%; no homozygotes.

Submissions (2):

Ambry Genetics
Classification: Uncertain significance for Inborn genetic diseases. Last evaluated: 2023-11-27. Review status: criteria provided, single submitter. Criteria: Ambry Variant Classification Scheme 2023. Collection method: clinical testing. Allele origin: germline.

Labcorp Genetics (formerly Invitae), Labcorp
Classification: Uncertain significance for Autosomal recessive limb-girdle muscular dystrophy type 2T; Muscular dystrophy-dystroglycanopathy (congenital with brain and eye anomalies), type A14; Muscular dystrophy-dystroglycanopathy (congenital with impaired intellectual development), type B, 14. Last evaluated: 2022-09-16. Review status: criteria provided, single submitter. Criteria: Invitae Variant Classification Sherloc (09022015). Collection method: clinical testing. Allele origin: germline.
Comment: Advanced modeling of protein sequence and biophysical properties (such as structural, functional, and spatial information, amino acid conservation, physicochemical variation, residue mobility, and thermodynamic stability) performed at Invitae indicates that this missense variant is expected to disrupt GMPPB protein function. In summary, the available evidence is currently insufficient to determine the role of this variant in disease. Therefore, it has been classified as a Variant of Uncertain Significance. This variant has not been reported in the literature in individuals affected with GMPPB-related conditions. This variant is present in population databases (no rsID available, gnomAD 0.01%). This sequence change replaces arginine, which is basic and polar, with tryptophan, which is neutral and slightly polar, at codon 158 of the GMPPB protein (p.Arg158Trp).

NM_021971.4(GMPPB):c.472C>T (p.Arg158Trp)

Gene: GMPPB (GDP-mannose pyrophosphorylase B; minus strand). Cytogenetic location: 3p21.31.
Variant type: single nucleotide variant.
Coding change: c.472C>T on transcript NM_021971.4 (MANE Select); coding-DNA position 472, C replaced by T.
Protein change: p.Arg158Trp; replaces arginine 158 with tryptophan.
Molecular consequence: missense variant.
Genome position (GRCh38, 1-based): chr3:49,722,685, G>A on the plus strand (C>T on the coding strand, the complement: GMPPB is on the minus strand). VCF-style: chr3-49722685-G-A. GRCh37 (hg19) VCF-style: chr3-49760118-G-A.
Other names: c.472C>T, p.Arg158Trp (NM_013334.4); c.472C>T (NM_013334.2); short protein forms R158W.
Identifiers: ClinVar variation 2041001 (VCV002041001.3), dbSNP rs1445712548, ClinGen allele CA352828732.